The following is an entry in ClinVar:

ClinVar aggregate classification (germline): Uncertain significance (1 of 4 stars; one submission).

Conditions:
Inborn genetic diseases. Identifiers: MedGen C0950123, MeSH D030342.

Submission:

Ambry Genetics
Classification: Uncertain significance for Inborn genetic diseases. Last evaluated: 2025-11-08. Review status: criteria provided, single submitter. Criteria: Ambry Variant Classification Scheme 2023. Collection method: clinical testing. Allele origin: germline.
Comment: The p.A279E variant (also known as c.836C>A), located in coding exon 8 of the ANKRD26 gene, results from a C to A substitution at nucleotide position 836. The alanine at codon 279 is replaced by glutamic acid, an amino acid with dissimilar properties. This amino acid position is conserved. In addition, this alteration is predicted to be tolerated by in silico analysis. Based on the available evidence, the clinical significance of this variant remains unclear.

NM_014915.3(ANKRD26):c.836C>A (p.Ala279Glu)

Gene: ANKRD26 (ankyrin repeat domain 26; minus strand). Cytogenetic location: 10p12.1.
Variant type: single nucleotide variant.
Coding change: c.836C>A on transcript NM_014915.3 (MANE Select); coding-DNA position 836, C replaced by A.
Protein change: p.Ala279Glu; replaces alanine 279 with glutamic acid.
Molecular consequence: missense variant.
Genome position (GRCh38, 1-based): chr10:27,077,671, G>T on the plus strand (C>A on the coding strand, the complement: ANKRD26 is on the minus strand). VCF-style: chr10-27077671-G-T. GRCh37 (hg19) VCF-style: chr10-27366600-G-T.
Other names: c.836C>A, p.Ala279Glu (NM_001256053.2); short protein forms A279E.
Identifiers: ClinVar variation 4579899 (VCV004579899.1).